The following is an entry in ClinVar:

NM_024753.5(TTC21B):c.2472G>A (p.Leu824=)

Gene: TTC21B (tetratricopeptide repeat domain 21B; minus strand). Cytogenetic location: 2q24.3.
Variant type: single nucleotide variant.
Coding change: c.2472G>A on transcript NM_024753.5 (MANE Select); coding-DNA position 2472, G replaced by A.
Protein change: p.Leu824=; no amino-acid change (leucine 824 retained).
Molecular consequence: synonymous variant.
Genome position (GRCh38, 1-based): chr2:165,907,774, C>T on the plus strand (G>A on the coding strand, the complement: TTC21B is on the minus strand). VCF-style: chr2-165907774-C-T. GRCh37 (hg19) VCF-style: chr2-166764284-C-T.
Identifiers: ClinVar variation 331827 (VCV000331827.54), dbSNP rs114725374, ClinGen allele CA1941818.

ClinVar aggregate classification (germline): Conflicting classifications of pathogenicity. Review status: criteria provided, conflicting classifications (1 of 4 stars). 11 submissions from 10 submitters: Uncertain significance (3); Likely benign (6). 2 of the submissions do not count toward it. Last evaluated 2026-01-27.

Conditions:
Connective tissue disorder. Also called: Connective tissue disease. Identifiers: MedGen C0009782, MONDO:0003900.
Asphyxiating thoracic dystrophy 4 (SRTD4). Also called: SHORT-RIB THORACIC DYSPLASIA 4 WITH OR WITHOUT POLYDACTYLY; SHORT-RIB THORACIC DYSPLASIA 4. Identifiers: Orphanet 474, MedGen C3151185, MONDO:0013441, OMIM 613819.
Nephronophthisis 12 (NPHP12). Identifiers: Orphanet 655, MedGen C3151186, MONDO:0013442, OMIM 613820.
Nephronophthisis. Also called: Juvenile Nephronophthisis. Identifiers: Orphanet 655, MedGen C0687120, MONDO:0019005, HP:0000090.
Jeune thoracic dystrophy. Also called: Short-rib thoracic dysplasia; Jeune syndrome; Infantile thoracic dystrophy; Thoracic pelvic phalangeal dystrophy; Jeune's syndrome; Chondroectodermal dysplasia-like syndrome. Identifiers: Orphanet 474, MedGen C0265275, MONDO:0018770.

Allele frequency attached by ClinVar (database versions not stated): ExAC 0.00077; gnomAD exomes 0.00081 and 0.00170; ESP Exome Variant Server 0.00092; gnomAD 0.00105 and 0.00107; TOPMed 0.00113; 1000 Genomes Project 30x 0.00125; 1000 Genomes Project 0.00140.
gnomAD v4.1: 2,599 of 1,608,576 alleles (0.16%); highest among the groups gnomAD compares: Non-Finnish European, 0.21%; 5 homozygotes.

Submissions (11):

Labcorp Genetics (formerly Invitae), Labcorp
Classification: Likely benign for Jeune thoracic dystrophy; Nephronophthisis. Last evaluated: 2026-01-27. Review status: criteria provided, single submitter. Criteria: Invitae Variant Classification Sherloc (09022015). Collection method: clinical testing. Allele origin: germline.

CeGaT Center for Human Genetics Tuebingen
Classification: Likely benign. Last evaluated: 2025-04-01. Review status: criteria provided, single submitter. Criteria: CeGaT Center For Human Genetics Tuebingen Variant Classification Criteria Version 2. Collection method: clinical testing. Allele origin: germline. Affected: yes. Observed: 3 variant alleles.
Comment: TTC21B: BP4, BP7

Blueprint Genetics
Classification: Likely benign. Last evaluated: 2024-11-22. Review status: criteria provided, single submitter. Criteria: ACMG Guidelines, 2015. Collection method: clinical testing. Allele origin: germline.

ARUP Laboratories, Molecular Genetics and Genomics, ARUP Laboratories
Classification: Likely benign. Last evaluated: 2024-07-16. Review status: criteria provided, single submitter. Criteria: ARUP Molecular Germline Variant Investigation Process 2024. Collection method: clinical testing. Allele origin: germline.

Genome Diagnostics Laboratory, The Hospital for Sick Children
Classification: Uncertain significance for Connective tissue disorder. Last evaluated: 2022-03-11. Review status: criteria provided, single submitter. Criteria: ACMG Guidelines, 2015. Collection method: clinical testing. Allele origin: germline.

GeneDx
Classification: Likely benign. Last evaluated: 2021-05-10. Review status: criteria provided, single submitter. Criteria: GeneDx Variant Classification Process June 2021. Collection method: clinical testing. Allele origin: germline. Affected: yes.

Illumina Laboratory Services, Illumina
Classification: Uncertain significance for Nephronophthisis 12. Last evaluated: 2018-01-13. Review status: criteria provided, single submitter. Criteria: ICSL Variant Classification Criteria 13 December 2019. Collection method: clinical testing. Allele origin: germline.

Illumina Laboratory Services, Illumina
Classification: Uncertain significance for Asphyxiating thoracic dystrophy 4. Last evaluated: 2018-01-13. Review status: criteria provided, single submitter. Criteria: ICSL Variant Classification Criteria 13 December 2019. Collection method: clinical testing. Allele origin: germline.

Genetic Services Laboratory, University of Chicago
Classification: Likely benign. Last evaluated: 2017-09-22. Review status: criteria provided, single submitter. Criteria: ACMG Guidelines, 2015. Collection method: clinical testing. Allele origin: germline. Affected: no.

Clinical Genetics DNA and cytogenetics Diagnostics Lab, Erasmus MC, Erasmus Medical Center
Classification: Likely benign. Review status: no assertion criteria provided. Collection method: clinical testing. Allele origin: germline. Affected: yes. Study: VKGL Data-share Consensus. Not counted in ClinVar's aggregate classification.

Genome Diagnostics Laboratory, University Medical Center Utrecht
Classification: Benign. Review status: no assertion criteria provided. Collection method: clinical testing. Allele origin: germline. Affected: yes. Study: VKGL Data-share Consensus. Not counted in ClinVar's aggregate classification.